The following is an entry in ClinVar:

ClinVar aggregate classification (germline): Uncertain significance (1 of 4 stars; one submission).

gnomAD v4.1: 6 of 1,613,666 alleles (0.00037%); highest among the groups gnomAD compares: African/African-American, 0.0013%; no homozygotes.

Submission:

Labcorp Genetics (formerly Invitae), Labcorp
Classification: Uncertain significance. Last evaluated: 2023-11-27. Review status: criteria provided, single submitter. Criteria: Invitae Variant Classification Sherloc (09022015). Collection method: clinical testing. Allele origin: germline.
Comment: This sequence change replaces serine, which is neutral and polar, with leucine, which is neutral and non-polar, at codon 221 of the MYH7B protein (p.Ser221Leu). This variant is present in population databases (rs766570424, gnomAD 0.004%). This variant has not been reported in the literature in individuals affected with MYH7B-related conditions. ClinVar contains an entry for this variant (Variation ID: 1947935). Advanced modeling of protein sequence and biophysical properties (such as structural, functional, and spatial information, amino acid conservation, physicochemical variation, residue mobility, and thermodynamic stability) performed at Invitae indicates that this missense variant is expected to disrupt MYH7B protein function with a positive predictive value of 80%. In summary, the available evidence is currently insufficient to determine the role of this variant in disease. Therefore, it has been classified as a Variant of Uncertain Significance.

NM_020884.7(MYH7B):c.536C>T (p.Ser179Leu)

Gene: MYH7B (myosin heavy chain 7B; plus strand). Cytogenetic location: 20q11.22.
Variant type: single nucleotide variant.
Coding change: c.536C>T on transcript NM_020884.7 (MANE Select); coding-DNA position 536, C replaced by T.
Protein change: p.Ser179Leu; replaces serine 179 with leucine.
Molecular consequence: missense variant.
Genome position (GRCh38, 1-based): chr20:34,982,467, C>T. VCF-style: chr20-34982467-C-T. GRCh37 (hg19) VCF-style: chr20-33570270-C-T.
Other names: short protein forms S179L.
Identifiers: ClinVar variation 1947935 (VCV001947935.5), dbSNP rs766570424, ClinGen allele CA9826501.